The following is an entry in ClinVar:

ClinVar aggregate classification (germline): Benign (1 of 4 stars; one submission).

Conditions:
MCM8-related disorder. Also called: MCM8-related condition.

gnomAD v4.1: 951 of 1,614,092 alleles (0.059%); highest among the groups gnomAD compares: South Asian, 0.98%; 15 homozygotes.

Submission:

PreventionGenetics, part of Exact Sciences
Classification: Benign for MCM8-related condition. Last evaluated: 2026-08-24. Review status: criteria provided, single submitter. Criteria: ACMG Guidelines, 2015. Collection method: clinical testing. Allele origin: germline.
Comment: This variant is classified as benign based on ACMG/AMP sequence variant interpretation guidelines (Richards et al. 2015 PMID: 25741868, with internal and published modifications).

NM_032485.6(MCM8):c.209A>G (p.Asp70Gly)

Gene: MCM8 (minichromosome maintenance 8 homologous recombination repair factor; plus strand). Cytogenetic location: 20p12.3.
Variant type: single nucleotide variant.
Coding change: c.209A>G on transcript NM_032485.6 (MANE Select); coding-DNA position 209, A replaced by G.
Protein change: p.Asp70Gly; replaces aspartic acid 70 with glycine.
Molecular consequence: missense variant.
Genome position (GRCh38, 1-based): chr20:5,952,484, A>G. VCF-style: chr20-5952484-A-G. GRCh37 (hg19) VCF-style: chr20-5933130-A-G.
Other names: c.209A>G, p.Asp70Gly (NM_001281520.2, NM_001281521.2, NM_001281522.2 and 1 more transcripts); short protein forms D70G.
Identifiers: ClinVar variation 4980168 (VCV004980168.1).